The following is an entry in ClinVar:

ClinVar aggregate classification (germline): Benign/Likely benign. Review status: criteria provided, multiple submitters, no conflicts (2 of 4 stars). 10 submissions from 10 submitters: Benign (5); Likely benign (5). Last evaluated 2026-02-02.

Conditions:
Basal cell nevus syndrome 2 (BCNS2). Also called: NEVOID BASAL CELL CARCINOMA SYNDROME 2. Identifiers: MedGen C5830451, MONDO:0958189, OMIM 620343.
Medulloblastoma (MDB). Also called: MEDULLOBLASTOMA PREDISPOSITION SYNDROME; Medulloblastoma, somatic. Identifiers: Orphanet 616, MedGen C0025149, MeSH D008527, MONDO:0007959, OMIM 155255, HP:0002885.
Joubert syndrome 32 (JBTS32). Identifiers: MedGen C4540342, MONDO:0033309, OMIM 617757.
Familial meningioma. Also called: Meningioma, familial, susceptibility to. Identifiers: Orphanet 263662, MedGen C3551915, MONDO:0011789, OMIM 607174.
Gorlin syndrome. Also called: Basal cell nevus syndrome; Nevoid Basal Cell Carcinoma Syndrome. Identifiers: Orphanet 377, MedGen C0004779, MONDO:0007187.
Hereditary cancer-predisposing syndrome. Also called: Neoplastic Syndromes, Hereditary; Tumor predisposition; Hereditary neoplastic syndrome; Hereditary Cancer Syndrome. Identifiers: Orphanet 140162, MedGen C0027672, MeSH D009386, MONDO:0015356.

Allele frequency attached by ClinVar (database versions not stated): gnomAD exomes 0.00042 and 0.00117; ExAC 0.00143; 1000 Genomes Project 0.00319; 1000 Genomes Project 30x 0.00344; gnomAD 0.00449 and 0.00487; TOPMed 0.00517; ESP Exome Variant Server 0.00600.
gnomAD v4.1: 1,333 of 1,614,242 alleles (0.083%); highest among the groups gnomAD compares: African/African-American, 1.5%; 8 homozygotes.

Submissions (10):

Labcorp Genetics (formerly Invitae), Labcorp
Classification: Benign for Gorlin syndrome; Medulloblastoma. Last evaluated: 2026-02-02. Review status: criteria provided, single submitter. Criteria: Invitae Variant Classification Sherloc (09022015). Collection method: clinical testing. Allele origin: germline.

Center for Genomic Medicine, Rigshospitalet, Copenhagen University Hospital
Classification: Benign. Last evaluated: 2025-12-29. Review status: criteria provided, single submitter. Criteria: ACMG Guidelines, 2015. Collection method: clinical testing. Allele origin: germline.

Quest Diagnostics Nichols Institute San Juan Capistrano
Classification: Benign. Last evaluated: 2025-06-11. Review status: criteria provided, single submitter. Criteria: Quest Diagnostics criteria. Collection method: clinical testing. Allele origin: unknown.

Mayo Clinic Laboratories, Mayo Clinic
Classification: Likely benign. Last evaluated: 2025-06-05. Review status: criteria provided, single submitter. Criteria: ACMG Guidelines, 2015. Collection method: clinical testing. Allele origin: germline. Observed: 1 variant allele.
Comment: BS1, BP4, BP7

Department of Pathology and Laboratory Medicine, Sinai Health System
Classification: Likely benign for Medulloblastoma; Familial meningioma; Joubert syndrome 32; Basal cell nevus syndrome 2. Last evaluated: 2024-07-12. Review status: criteria provided, single submitter. Criteria: ACMG Guidelines, 2015. Collection method: clinical testing. Allele origin: germline.

GeneDx
Classification: Likely benign. Last evaluated: 2021-04-26. Review status: criteria provided, single submitter. Criteria: GeneDx Variant Classification Process June 2021. Collection method: clinical testing. Allele origin: germline. Affected: yes.

Women's Health and Genetics/Laboratory Corporation of America, LabCorp
Classification: Benign. Last evaluated: 2018-11-19. Review status: criteria provided, single submitter. Criteria: LabCorp Variant Classification Summary - May 2015. Collection method: clinical testing. Allele origin: germline.
Comment: Variant summary: SUFU c.1291T>C alters a conserved nucleotide resulting in a synonymous change. 5/5 computational tools predict no significant impact on normal splicing. However, these predictions have yet to be confirmed by functional studies. The variant allele was found at a frequency of 0.0015 in 277202 control chromosomes in the gnomAD database, including 4 homozygotes. The observed variant frequency is approximately 1489-folds higher than the estimated maximal expected allele frequency for a pathogenic variant in SUFU causing Nevoid Basal Cell Carcinoma Syndrome (Gorlin Syndrome) phenotype (1e-06), strongly suggesting that the variant is benign. To our knowledge, no occurrence of c.1291T>C in individuals affected with Nevoid Basal Cell Carcinoma Syndrome (Gorlin Syndrome) and no experimental evidence demonstrating its impact on protein function have been reported. Three ClinVar submissions from clinical diagnostic laboratories (evaluation after 2014) cite the variant twice as benign and once as uncertain significance. Based on the evidence outlined above, the variant was classified as benign.

Illumina Laboratory Services, Illumina
Classification: Likely benign for Medulloblastoma. Last evaluated: 2018-01-13. Review status: criteria provided, single submitter. Criteria: ICSL Variant Classification Criteria 13 December 2019. Collection method: clinical testing. Allele origin: germline.
Comment: This variant was observed in the ICSL laboratory as part of a predisposition screen in an ostensibly healthy population. It had not been previously curated by ICSL or reported in the Human Gene Mutation Database (HGMD: prior to June 1st, 2018), and was therefore a candidate for classification through an automated scoring system. Utilizing variant allele frequency, disease prevalence and penetrance estimates, and inheritance mode, an automated score was calculated to assess if this variant is too frequent to cause the disease. Based on the score and internal cut-off values, a variant classified as likely benign is not then subjected to further curation. The score for this variant resulted in a classification of likely benign for this disease.

Ambry Genetics
Classification: Benign for Hereditary cancer-predisposing syndrome. Last evaluated: 2017-03-08. Review status: criteria provided, single submitter. Criteria: Ambry Variant Classification Scheme 2023. Collection method: clinical testing. Allele origin: germline.

Breakthrough Genomics
Classification: Likely benign. Review status: criteria provided, single submitter. Criteria: ACMG Guidelines, 2015. Collection method: not provided. Allele origin: germline. Inheritance: Autosomal recessive inheritance. Affected: yes.

Literature cited by the submitters: PubMed 36315513 (cited by Quest Diagnostics Nichols Institute San Juan Capistrano).

NM_016169.4(SUFU):c.1291T>C (p.Leu431=)

Gene: SUFU (SUFU negative regulator of hedgehog signaling; plus strand). Cytogenetic location: 10q24.32.
Variant type: single nucleotide variant.
Coding change: c.1291T>C on transcript NM_016169.4 (MANE Select); coding-DNA position 1291, T replaced by C.
Protein change: p.Leu431=; no amino-acid change (leucine 431 retained).
Molecular consequence: synonymous variant.
Genome position (GRCh38, 1-based): chr10:102,617,423, T>C. VCF-style: chr10-102617423-T-C. GRCh37 (hg19) VCF-style: chr10-104377180-T-C.
Other names: p.Leu431=; c.1291T>C, p.Leu431= (NM_001178133.2).
Identifiers: ClinVar variation 241080 (VCV000241080.30), dbSNP rs141950577, ClinGen allele CA5667917.